The following is an entry in ClinVar:

ClinVar aggregate classification (germline): Uncertain significance (1 of 4 stars; one submission).

Conditions:
Marfan syndrome (MFS). Also called: Marfan syndrome, classic; Marfan syndrome type 1; Marfan's syndrome; MARFAN SYNDROME, TYPE I; FBN1-Related Marfan Syndrome. Identifiers: Orphanet 284963, Orphanet 558, MedGen C0024796, MONDO:0007947, OMIM 154700.
Familial thoracic aortic aneurysm and aortic dissection (TAAD). Also called: Thoracic aortic aneurysms and dissections. Identifiers: Orphanet 91387, MedGen C4707243, MONDO:0019625.

Submission:

Labcorp Genetics (formerly Invitae), Labcorp
Classification: Uncertain significance for Marfan syndrome; Familial thoracic aortic aneurysm and aortic dissection. Last evaluated: 2016-12-15. Review status: criteria provided, single submitter. Criteria: Invitae Variant Classification Sherloc (09022015). Collection method: clinical testing. Allele origin: germline.
Comment: In summary, this is a novel intronic change with uncertain impact on splicing. It has been classified as a Variant of Uncertain Significance. Algorithms developed to predict the effect of nucleotide changes on mRNA splicing suggest that this intronic variant may alter mRNA splicing, but this prediction has not been confirmed by published transcriptional studies. This variant is not present in population databases (ExAC no frequency) and has not been reported in the literature in individuals with a FBN1-related disease. This sequence change falls in intron 20 of the FBN1 mRNA. It does not directly change the encoded amino acid sequence of the FBN1 protein.

NM_000138.5(FBN1):c.2420-8T>A

Gene: FBN1 (fibrillin 1; minus strand). Cytogenetic location: 15q21.1.
Variant type: single nucleotide variant.
Coding change: c.2420-8T>A on transcript NM_000138.5 (MANE Select); 8 bases into the intron before coding-DNA position 2420, T replaced by A.
Molecular consequence: intron variant.
Genome position (GRCh38, 1-based): chr15:48,495,596, A>T on the plus strand (T>A on the coding strand, the complement: FBN1 is on the minus strand). VCF-style: chr15-48495596-A-T. GRCh37 (hg19) VCF-style: chr15-48787793-A-T.
Identifiers: ClinVar variation 406306 (VCV000406306.8), dbSNP rs140582, ClinGen allele CA16614660.